The following is an entry in ClinVar:

NM_001374259.2(IL12RB2):c.683G>C (p.Trp228Ser)

Gene: IL12RB2 (interleukin 12 receptor subunit beta 2; plus strand). Cytogenetic location: 1p31.3.
Variant type: single nucleotide variant.
Coding change: c.683G>C on transcript NM_001374259.2 (MANE Select); coding-DNA position 683, G replaced by C.
Protein change: p.Trp228Ser; replaces tryptophan 228 with serine.
Molecular consequence: missense variant. On other transcripts: non-coding transcript variant (2).
Genome position (GRCh38, 1-based): chr1:67,329,605, G>C. VCF-style: chr1-67329605-G-C. GRCh37 (hg19) VCF-style: chr1-67795288-G-C.
Other names: c.683G>C, p.Trp228Ser (NM_001258214.1, NM_001258215.1, NM_001258216.1 and 2 more transcripts); short protein forms W228S.
Identifiers: ClinVar variation 2864573 (VCV002864573.3), dbSNP rs2525942097, ClinGen allele CA340733654.

ClinVar aggregate classification (germline): Uncertain significance (1 of 4 stars; one submission).

Submission:

Labcorp Genetics (formerly Invitae), Labcorp
Classification: Uncertain significance. Last evaluated: 2023-10-02. Review status: criteria provided, single submitter. Criteria: Invitae Variant Classification Sherloc (09022015). Collection method: clinical testing. Allele origin: germline.
Comment: In summary, the available evidence is currently insufficient to determine the role of this variant in disease. Therefore, it has been classified as a Variant of Uncertain Significance. Algorithms developed to predict the effect of sequence changes on RNA splicing suggest that this variant may create or strengthen a splice site. Algorithms developed to predict the effect of missense changes on protein structure and function output the following: SIFT: "Not Available"; PolyPhen-2: "Benign"; Align-GVGD: "Not Available". The serine amino acid residue is found in multiple mammalian species, which suggests that this missense change does not adversely affect protein function. This variant has not been reported in the literature in individuals affected with IL12RB2-related conditions. This variant is not present in population databases (gnomAD no frequency). This sequence change replaces tryptophan, which is neutral and slightly polar, with serine, which is neutral and polar, at codon 228 of the IL12RB2 protein (p.Trp228Ser).